The following is an entry in ClinVar:

ClinVar aggregate classification (germline): Uncertain significance (1 of 4 stars; one submission).

Conditions:
Neurofibromatosis, type 1 (NF1). Also called: Peripheral type neurofibromatosis; VON RECKLINGHAUSEN DISEASE; Neurofibromatosis, type I; NEUROFIBROMATOSIS, TYPE I, SOMATIC. Identifiers: Orphanet 636, MedGen C0027831, MONDO:0018975, OMIM 162200. Disease mechanism: loss of function.

Submission:

Labcorp Genetics (formerly Invitae), Labcorp
Classification: Uncertain significance for Neurofibromatosis, type 1. Last evaluated: 2023-11-11. Review status: criteria provided, single submitter. Criteria: Invitae Variant Classification Sherloc (09022015). Collection method: clinical testing. Allele origin: germline.
Comment: This sequence change replaces threonine, which is neutral and polar, with alanine, which is neutral and non-polar, at codon 841 of the NF1 protein (p.Thr841Ala). This variant is not present in population databases (gnomAD no frequency). This variant has not been reported in the literature in individuals affected with NF1-related conditions. Advanced modeling of protein sequence and biophysical properties (such as structural, functional, and spatial information, amino acid conservation, physicochemical variation, residue mobility, and thermodynamic stability) performed at Invitae indicates that this missense variant is expected to disrupt NF1 protein function with a positive predictive value of 95%. This variant disrupts the p.Thr841 amino acid residue in NF1. Other variant(s) that disrupt this residue have been determined to be pathogenic (PMID: 31717729, 34080803). This suggests that this residue is clinically significant, and that variants that disrupt this residue are likely to be disease-causing. In summary, the available evidence is currently insufficient to determine the role of this variant in disease. Therefore, it has been classified as a Variant of Uncertain Significance.

Literature cited by the submitters: PubMed 31717729; PubMed 34080803.

NM_001042492.3(NF1):c.2521A>G (p.Thr841Ala)

Gene: NF1 (neurofibromin 1; plus strand). Cytogenetic location: 17q11.2.
Variant type: single nucleotide variant.
Coding change: c.2521A>G on transcript NM_001042492.3 (MANE Select); coding-DNA position 2521, A replaced by G.
Protein change: p.Thr841Ala; replaces threonine 841 with alanine.
Molecular consequence: missense variant.
Genome position (GRCh38, 1-based): chr17:31,229,136, A>G. VCF-style: chr17-31229136-A-G. GRCh37 (hg19) VCF-style: chr17-29556154-A-G.
Other names: c.2521A>G, p.Thr841Ala (NM_000267.4); short protein forms T841A.
Identifiers: ClinVar variation 2695029 (VCV002695029.3), dbSNP rs2067066952, ClinGen allele CA398984177.